The following is an entry in ClinVar:

NM_016239.4(MYO15A):c.4441T>C (p.Ser1481Pro)

Gene: MYO15A (myosin XVA; plus strand). Cytogenetic location: 17p11.2.
Variant type: single nucleotide variant.
Coding change: c.4441T>C on transcript NM_016239.4 (MANE Select); coding-DNA position 4441, T replaced by C.
Protein change: p.Ser1481Pro; replaces serine 1481 with proline.
Molecular consequence: missense variant.
Genome position (GRCh38, 1-based): chr17:18,133,345, T>C. VCF-style: chr17-18133345-T-C. GRCh37 (hg19) VCF-style: chr17-18036659-T-C.
Other names: short protein forms S1481P.
Identifiers: ClinVar variation 1301927 (VCV001301927.6), dbSNP rs758896141, ClinGen allele CA8423883.

ClinVar aggregate classification (germline): Pathogenic. Review status: criteria provided, multiple submitters, no conflicts (2 of 4 stars). 3 submissions from 3 submitters: Pathogenic (3). Last evaluated 2023-07-06.

Conditions:
Autosomal recessive nonsyndromic hearing loss 3. Also called: NEUROSENSORY NONSYNDROMIC RECESSIVE DEAFNESS 3. Identifiers: Orphanet 90636, MedGen C1838263, MONDO:0010860, OMIM 600316.

Allele frequency attached by ClinVar (database versions not stated): gnomAD exomes below 0.00001; ExAC 0.00001; TOPMed 0.00001.
gnomAD v4.1: 2 of 1,614,196 alleles (0.00012%); highest among the groups gnomAD compares: East Asian, 0.0045%; no homozygotes.

Submissions (3):

Labcorp Genetics (formerly Invitae), Labcorp
Classification: Pathogenic. Last evaluated: 2023-07-06. Review status: criteria provided, single submitter. Criteria: Invitae Variant Classification Sherloc (09022015). Collection method: clinical testing. Allele origin: germline.
Comment: For these reasons, this variant has been classified as Pathogenic. Advanced modeling of protein sequence and biophysical properties (such as structural, functional, and spatial information, amino acid conservation, physicochemical variation, residue mobility, and thermodynamic stability) has been performed at Invitae for this missense variant, however the output from this modeling did not meet the statistical confidence thresholds required to predict the impact of this variant on MYO15A protein function. ClinVar contains an entry for this variant (Variation ID: 1301927). This missense change has been observed in individuals with deafness (PMID: 20642360, 30953472, 35346193). It has also been observed to segregate with disease in related individuals. This variant is present in population databases (rs758896141, gnomAD 0.006%). This sequence change replaces serine, which is neutral and polar, with proline, which is neutral and non-polar, at codon 1481 of the MYO15A protein (p.Ser1481Pro).

Juno Genomics, Hangzhou Juno Genomics, Inc
Classification: Pathogenic for Autosomal recessive nonsyndromic hearing loss 3. Review status: criteria provided, single submitter. Criteria: ACMG Guidelines, 2015. Collection method: clinical testing. Allele origin: germline. Affected: yes.
Comment: Multiple lines of computational evidence support a deleterious effect on the gene or gene product (conservation, evolutionary, splicing impact, etc).;For recessive disorders, detected in trans with a pathogenic variant.;Absent from controls (or at extremely low frequency if recessive) in Genome Aggregation Database, Exome Sequencing Project, 1000 Genomes Project, or Exome Aggregation Consortium.

Molecular Diagnosis Center for Deafness
Classification: Pathogenic for Autosomal recessive nonsyndromic hearing loss 3. Review status: criteria provided, single submitter. Criteria: ClinGen HL ACMG Specifications v1. Collection method: clinical testing. Allele origin: inherited. Observed: 4 variant alleles.

Literature cited by the submitters: PubMed 20642360 (cited by Labcorp Genetics (formerly Invitae), Labcorp); PubMed 30953472 (cited by Labcorp Genetics (formerly Invitae), Labcorp); PubMed 35346193 (cited by Labcorp Genetics (formerly Invitae), Labcorp).